The following is an entry in ClinVar:

ClinVar aggregate classification (germline): Uncertain significance. Review status: criteria provided, multiple submitters, no conflicts (2 of 4 stars). 2 submissions from 2 submitters: Uncertain significance (2). Last evaluated 2023-08-01.

Allele frequency attached by ClinVar (database versions not stated): gnomAD exomes 0.00001.
gnomAD v4.1: 6 of 1,211,519 alleles (0.0005%); highest among the groups gnomAD compares: African/African-American, 0.0017%; no homozygotes.

Submissions (2):

Blueprint Genetics
Classification: Uncertain significance. Last evaluated: 2023-08-01. Review status: criteria provided, single submitter. Criteria: ACMG Guidelines, 2015. Collection method: clinical testing. Allele origin: germline.

Labcorp Genetics (formerly Invitae), Labcorp
Classification: Uncertain significance. Last evaluated: 2023-06-10. Review status: criteria provided, single submitter. Criteria: Invitae Variant Classification Sherloc (09022015). Collection method: clinical testing. Allele origin: germline.
Comment: In summary, the available evidence is currently insufficient to determine the role of this variant in disease. Therefore, it has been classified as a Variant of Uncertain Significance. An algorithm developed to predict the effect of missense changes on protein structure and function (PolyPhen-2) suggests that this variant is likely to be disruptive. This variant has not been reported in the literature in individuals affected with ZC4H2-related conditions. This variant is not present in population databases (gnomAD no frequency). This sequence change replaces arginine, which is basic and polar, with cysteine, which is neutral and slightly polar, at codon 112 of the ZC4H2 protein (p.Arg112Cys).

NM_018684.4(ZC4H2):c.334C>T (p.Arg112Cys)

Gene: ZC4H2 (zinc finger C4H2-type containing; minus strand). Cytogenetic location: Xq11.2.
Variant type: single nucleotide variant.
Coding change: c.334C>T on transcript NM_018684.4 (MANE Select); coding-DNA position 334, C replaced by T.
Protein change: p.Arg112Cys; replaces arginine 112 with cysteine.
Molecular consequence: missense variant. On other transcripts: non-coding transcript variant (1).
Genome position (GRCh38, 1-based): chrX:64,920,145, G>A on the plus strand (C>T on the coding strand, the complement: ZC4H2 is on the minus strand). VCF-style: chrX-64920145-G-A. GRCh37 (hg19) VCF-style: chrX-64140025-G-A.
Other names: c.265C>T, p.Arg89Cys (NM_001178032.3, NM_001243804.2); c.334C>T, p.Arg112Cys (NM_001178033.3); short protein forms R89C, R112C.
Identifiers: ClinVar variation 2780737 (VCV002780737.4), dbSNP rs2519693818, ClinGen allele CA413411826.